The following is an entry in ClinVar:

NM_021930.6(RINT1):c.2028A>T (p.Gln676His)

Genes: EFCAB10 (EF-hand calcium binding domain 10; minus strand), RINT1 (RAD50 interactor 1; plus strand). Cytogenetic location: 7q22.3.
Variant type: single nucleotide variant.
Coding change: c.2028A>T on transcript NM_021930.6 (MANE Select); coding-DNA position 2028, A replaced by T.
Protein change: p.Gln676His; replaces glutamine 676 with histidine.
Molecular consequence: missense variant. On other transcripts: 3 prime UTR variant (2), non-coding transcript variant (1).
Genome position (GRCh38, 1-based): chr7:105,565,418, A>T. VCF-style: chr7-105565418-A-T. GRCh37 (hg19) VCF-style: chr7-105205865-A-T.
Other names: c.*29T>A (NM_001355526.2); c.*131T>A (NM_001355530.2); c.389T>A, p.Phe130Tyr (NM_001355531.2); c.1794A>T, p.Gln598His (NM_001346599.2); c.1005A>T, p.Gln335His (NM_001346600.2, NM_001346603.2); c.1104A>T, p.Gln368His (NM_001346601.2); short protein forms F130Y, Q335H, Q368H, Q598H, Q676H.
Identifiers: ClinVar variation 3227628 (VCV003227628.1), dbSNP rs750563744, ClinGen allele CA368814932.

ClinVar aggregate classification (germline): Uncertain significance (1 of 4 stars; one submission).

Submission:

Ambry Genetics
Classification: Uncertain significance. Last evaluated: 2023-12-07. Review status: criteria provided, single submitter. Criteria: Ambry Variant Classification Scheme 2023. Collection method: clinical testing. Allele origin: germline.
Comment: The p.Q676H variant (also known as c.2028A>T), located in coding exon 13 of the RINT1 gene, results from an A to T substitution at nucleotide position 2028. The glutamine at codon 676 is replaced by histidine, an amino acid with highly similar properties. This amino acid position is conserved. In addition, the in silico prediction for this alteration is inconclusive. Since supporting evidence is limited at this time, the clinical significance of this alteration remains unclear.